The following is an entry in ClinVar:

NM_001323289.2(CDKL5):c.745-2A>G

Gene: CDKL5 (cyclin dependent kinase like 5; plus strand). Cytogenetic location: Xp22.13.
Variant type: single nucleotide variant.
Coding change: c.745-2A>G on transcript NM_001323289.2 (MANE Select); the canonical splice acceptor site of the intron before coding-DNA position 745, A replaced by G.
Molecular consequence: splice acceptor variant.
Genome position (GRCh38, 1-based): chrX:18,595,346, A>G. VCF-style: chrX-18595346-A-G. GRCh37 (hg19) VCF-style: chrX-18613466-A-G.
Other names: NC_000023.10:g.18613466A>G; c.745-2A>G (NM_003159.3, NM_001037343.2).
Identifiers: ClinVar variation 1758983 (VCV001758983.5), dbSNP rs2518864113, ClinGen allele CA412354818.

ClinVar aggregate classification (germline): Likely pathogenic. Review status: criteria provided, multiple submitters, no conflicts (2 of 4 stars). 3 submissions from 3 submitters: Likely pathogenic (3). Last evaluated 2024-09-09.

Conditions:
Developmental and epileptic encephalopathy, 2 (DEE2). Also called: CDKL5 deficiency disorder; INFANTILE SPASM SYNDROME, X-LINKED 2. Identifiers: Orphanet 1934, Orphanet 3451, Orphanet 505652, MedGen C4750718, MONDO:0010396, OMIM 300672.
CDKL5 disorder. Identifiers: MedGen CN296942, MONDO:0100039.
Inborn genetic diseases. Identifiers: MedGen C0950123, MeSH D030342.

Submissions (4):

Centre for Population Genomics, CPG
Classification: Likely pathogenic for CDKL5 disorder. Last evaluated: 2024-09-09. Review status: criteria provided, single submitter. Criteria: McKnight et al. (Hum Mutat. 2022). Collection method: curation. Allele origin: germline. Inheritance: X-linked inheritance.
Comment: This variant has been collected from RettBASE and curated to current modified ACMG/AMP criteria. Based on the classification scheme defined by the ClinGen Rett/Angelman-like Expert Panel for Rett/AS-like Disorders Specifications to the ACMG/AMP Variant Interpretation Guidelines VCEP 3.0, this variant is classified as likely pathogenic. At least the following criteria are met: Predicted to result in loss of function, and LOF is a known mechanism of disease (PVS1). This variant is absent from gnomAD (PM2_Supporting). Has been observed in at least 1 individual with phenotypes consistent with CDKL5 disorder (PMID: 25657822).

Revvity Omics, Revvity
Classification: Likely pathogenic for Developmental and epileptic encephalopathy, 2. Last evaluated: 2022-03-17. Review status: criteria provided, single submitter. Criteria: ACMG Guidelines, 2015. Collection method: clinical testing. Allele origin: germline.

Ambry Genetics
Classification: Likely pathogenic for Inborn genetic diseases. Last evaluated: 2017-12-27. Review status: criteria provided, single submitter. Criteria: Ambry Variant Classification Scheme 2023. Collection method: clinical testing. Allele origin: germline.
Comment: The c.745-2A>G intronic variant results from an A to G substitution two nucleotides upstream from coding exon 9 in the CDKL5 gene. This nucleotide position is highly conserved in available vertebrate species. Using the BDGP and ESEfinder splice site prediction tools, this alteration is predicted to abolish the native splice acceptor site; however, direct evidence is unavailable. Alterations that disrupt the canonical splice site are expected to cause aberrant splicing, resulting in an abnormal protein or a transcript that is subject to nonsense-mediated mRNA decay. As such, this alteration is classified as likely pathogenic.

Dr. Peter K. Rogan Lab, Western University
No classification provided (evidence only). Condition: Nonpapillary renal cell carcinoma. Review status: no classification provided. Collection method: in vitro. Allele origin: not applicable. Functional consequence: retained intron. Not counted in ClinVar's aggregate classification.

Literature cited by the submitters: PubMed 22872100 (cited by Ambry Genetics).